The following is an entry in ClinVar:

ClinVar aggregate classification (germline): Uncertain significance (1 of 4 stars; one submission).

Conditions:
Severe combined immunodeficiency due to DNA-PKcs deficiency. Also called: IMMUNODEFICIENCY 26 WITH NEUROLOGIC ABNORMALITIES; Immunodeficiency 26 with or without neurologic abnormalities. Identifiers: Orphanet 317425, MedGen C4014833, MONDO:0014423, OMIM 615966.

Submission:

Labcorp Genetics (formerly Invitae), Labcorp
Classification: Uncertain significance for Severe combined immunodeficiency due to DNA-PKcs deficiency. Last evaluated: 2023-10-06. Review status: criteria provided, single submitter. Criteria: Invitae Variant Classification Sherloc (09022015). Collection method: clinical testing. Allele origin: germline.
Comment: This sequence change replaces glycine, which is neutral and non-polar, with cysteine, which is neutral and slightly polar, at codon 3703 of the PRKDC protein (p.Gly3703Cys). This variant also falls at the last nucleotide of exon 77, which is part of the consensus splice site for this exon. This variant is not present in population databases (gnomAD no frequency). This variant has not been reported in the literature in individuals affected with PRKDC-related conditions. Experimental studies and prediction algorithms are not available or were not evaluated, and the functional significance of this variant is currently unknown. Variants that disrupt the consensus splice site are a relatively common cause of aberrant splicing (PMID: 17576681, 9536098). In summary, the available evidence is currently insufficient to determine the role of this variant in disease. Therefore, it has been classified as a Variant of Uncertain Significance.

Literature cited by the submitters: PubMed 17576681; PubMed 9536098.

NM_006904.7(PRKDC):c.11107G>T (p.Gly3703Cys)

Gene: PRKDC (protein kinase, DNA-activated, catalytic subunit; minus strand). Cytogenetic location: 8q11.21.
Variant type: single nucleotide variant.
Coding change: c.11107G>T on transcript NM_006904.7 (MANE Select); coding-DNA position 11107, G replaced by T.
Protein change: p.Gly3703Cys; replaces glycine 3703 with cysteine.
Molecular consequence: missense variant.
Genome position (GRCh38, 1-based): chr8:47,785,113, C>A on the plus strand (G>T on the coding strand, the complement: PRKDC is on the minus strand). VCF-style: chr8-47785113-C-A. GRCh37 (hg19) VCF-style: chr8-48697674-C-A.
Other names: c.11107G>T, p.Gly3703Cys (NM_001081640.2); short protein forms G3703C.
Identifiers: ClinVar variation 2766466 (VCV002766466.3), dbSNP rs1224378234, ClinGen allele CA371130815.